The following is an entry in ClinVar:

ClinVar aggregate classification (germline): Uncertain significance (1 of 4 stars; one submission).

gnomAD v4.1: 1 of 1,614,200 alleles (0.000062%); highest among the groups gnomAD compares: Non-Finnish European, 0.000085%; no homozygotes.

Submission:

Ambry Genetics
Classification: Uncertain significance. Last evaluated: 2024-12-20. Review status: criteria provided, single submitter. Criteria: Ambry Variant Classification Scheme 2023. Collection method: clinical testing. Allele origin: germline.
Comment: The p.A1159S variant (also known as c.3475G>T), located in coding exon 13 of the CDK12 gene, results from a G to T substitution at nucleotide position 3475. The alanine at codon 1159 is replaced by serine, an amino acid with similar properties. This amino acid position is conserved. In addition, this alteration is predicted to be tolerated by in silico analysis. Based on the available evidence, the clinical significance of this variant remains unclear.

NM_016507.4(CDK12):c.3475G>T (p.Ala1159Ser)

Gene: CDK12 (cyclin dependent kinase 12; plus strand). Cytogenetic location: 17q12.
Variant type: single nucleotide variant.
Coding change: c.3475G>T on transcript NM_016507.4 (MANE Select); coding-DNA position 3475, G replaced by T.
Protein change: p.Ala1159Ser; replaces alanine 1159 with serine.
Molecular consequence: missense variant.
Genome position (GRCh38, 1-based): chr17:39,526,031, G>T. VCF-style: chr17-39526031-G-T. GRCh37 (hg19) VCF-style: chr17-37682284-G-T.
Other names: c.3475G>T, p.Ala1159Ser (NM_015083.4); short protein forms A1159S.
Identifiers: ClinVar variation 3830389 (VCV003830389.1).
Genomic context (GRCh38, chr17:39,526,031, plus strand): 5'-AACATCCACTCCAACCCAGAGATGCAGCAGCAGCTGGAAGCCCTGAACCAATCCATCAGT[G>T]CCCTGACGGAAGCTACTTCCCAGCAGCAGGACTCAGAGACCATGGCCCCAGAGGAGTCTT-3'
Protein context (NP_057591.2, residues 1149-1169): QLEALNQSIS[Ala1159Ser]LTEATSQQQD